The following is an entry in ClinVar:

NM_000179.3(MSH6):c.2945C>T (p.Pro982Leu)

Gene: MSH6 (mutS homolog 6; plus strand). Cytogenetic location: 2p16.3.
Variant type: single nucleotide variant.
Coding change: c.2945C>T on transcript NM_000179.3 (MANE Select); coding-DNA position 2945, C replaced by T.
Protein change: p.Pro982Leu; replaces proline 982 with leucine.
Molecular consequence: missense variant.
Genome position (GRCh38, 1-based): chr2:47,800,928, C>T. VCF-style: chr2-47800928-C-T. GRCh37 (hg19) VCF-style: chr2-48028067-C-T.
Other names: c.2555C>T, p.Pro852Leu (NM_001281492.2); c.2039C>T, p.Pro680Leu (NM_001281493.2, NM_001281494.2, NM_001406811.1 and 6 more transcripts); c.3041C>T, p.Pro1014Leu (NM_001406795.1, NM_001406802.1); c.2945C>T, p.Pro982Leu (NM_001406796.1, NM_001406798.1, NM_001406800.1 and 2 more transcripts); c.2648C>T, p.Pro883Leu (NM_001406797.1, NM_001406801.1, NM_001406805.1 and 10 more transcripts); c.2420C>T, p.Pro807Leu (NM_001406799.1, NM_001406806.1, NM_001406807.1); c.2867C>T, p.Pro956Leu (NM_001406804.1); c.2951C>T, p.Pro984Leu (NM_001406813.1); and 2 more; short protein forms P1014L, P297L, P926L, P680L, P883L, P956L, P982L, P807L.
Identifiers: ClinVar variation 1797963 (VCV001797963.2), dbSNP rs2104432331, ClinGen allele CA346756232.

ClinVar aggregate classification (germline): Uncertain significance (1 of 4 stars; one submission).

Conditions:
Hereditary cancer-predisposing syndrome. Also called: Neoplastic Syndromes, Hereditary; Tumor predisposition; Hereditary Cancer Syndrome; Hereditary neoplastic syndrome. Identifiers: Orphanet 140162, MedGen C0027672, MeSH D009386, MONDO:0015356.

gnomAD v4.1: 1 of 1,578,214 alleles (0.000063%); no homozygotes.

Submission:

Ambry Genetics
Classification: Uncertain significance for Hereditary cancer-predisposing syndrome. Last evaluated: 2020-09-18. Review status: criteria provided, single submitter. Criteria: Ambry Variant Classification Scheme 2023. Collection method: clinical testing. Allele origin: germline.
Comment: The p.P982L variant (also known as c.2945C>T), located in coding exon 4 of the MSH6 gene, results from a C to T substitution at nucleotide position 2945. The proline at codon 982 is replaced by leucine, an amino acid with similar properties. This amino acid position is highly conserved in available vertebrate species. In addition, this alteration is predicted to be deleterious by in silico analysis. Since supporting evidence is limited at this time, the clinical significance of this alteration remains unclear.